The following is an entry in ClinVar:

ClinVar aggregate classification (germline): Conflicting classifications of pathogenicity. Review status: criteria provided, conflicting classifications (1 of 4 stars). 14 submissions from 14 submitters: Uncertain significance (2); Benign (1); Likely benign (11). Last evaluated 2026-09-01.

Conditions:
PRX-related disorder. Also called: PRX-Related Disorders; PRX-related condition.
Charcot-Marie-Tooth disease. Also called: Charcot-Marie-Tooth Hereditary Neuropathy; Charcot-Marie-Tooth Neuropathy. Identifiers: Orphanet 166, MedGen C0007959, MONDO:0015626.
Inborn genetic diseases. Identifiers: MedGen C0950123, MeSH D030342.
Charcot-Marie-Tooth disease type 4. Also called: Charcot-Marie-Tooth disease, type IV; Charcot-Marie-Tooth, Type 4. Identifiers: Orphanet 64749, MedGen C4082197, MONDO:0018995.
Charcot-Marie-Tooth disease type 4F. Also called: Charcot-Marie-Tooth disease, demyelinating, type 4F. Identifiers: Orphanet 99952, MedGen C3540453, MONDO:0013959, OMIM 614895.
Tip-toe gait. Also called: Toe walking. Identifiers: MedGen C0427144, HP:0030051.

Allele frequency attached by ClinVar (database versions not stated): TOPMed 0.00155; gnomAD exomes 0.00172 and 0.00273; gnomAD 0.00180 and 0.00191; ExAC 0.00192; ESP Exome Variant Server 0.00238.
gnomAD v4.1: 4,185 of 1,608,608 alleles (0.26%); highest among the groups gnomAD compares: Non-Finnish European, 0.33%; 8 homozygotes.

Submissions (14):

CeGaT Center for Human Genetics Tuebingen
Classification: Likely benign. Last evaluated: 2026-09-01. Review status: criteria provided, single submitter. Criteria: CeGaT Center For Human Genetics Tuebingen Variant Classification Criteria Version 2. Collection method: clinical testing. Allele origin: germline. Affected: yes. Observed: 15 variant alleles.
Comment: PRX: BP4

Labcorp Genetics (formerly Invitae), Labcorp
Classification: Likely benign for Charcot-Marie-Tooth disease type 4. Last evaluated: 2026-02-03. Review status: criteria provided, single submitter. Criteria: Invitae Variant Classification Sherloc (09022015). Collection method: clinical testing. Allele origin: germline.

PreventionGenetics, part of Exact Sciences
Classification: Likely benign for PRX-related condition. Last evaluated: 2025-10-29. Review status: criteria provided, single submitter. Criteria: ACMG Guidelines, 2015. Collection method: clinical testing. Allele origin: germline.
Comment: This variant is classified as likely benign based on ACMG/AMP sequence variant interpretation guidelines (Richards et al. 2015 PMID: 25741868, with internal and published modifications).

Women's Health and Genetics/Laboratory Corporation of America, LabCorp
Classification: Likely benign. Last evaluated: 2025-10-22. Review status: criteria provided, single submitter. Criteria: LabCorp Variant Classification Summary - May 2015. Collection method: clinical testing. Allele origin: germline.
Comment: Variant summary: PRX c.3373G>A (p.Gly1125Ser) results in a non-conservative amino acid change in the encoded protein sequence. Algorithms developed to predict the effect of missense changes on protein structure and function are either unavailable or do not agree on the potential impact of this missense change. The variant allele was found at a frequency of 0.0017 in 247282 control chromosomes in the gnomAD database, including 1 homozygote. The observed variant frequency exceeds the estimated maximal expected allele frequency for disease-causing variants in PRX. c.3373G>A has been observed in individual(s) affected with Charcot-Marie-Tooth disease without strong evidence for causality (Hoyer_2014, Volodarsky_2021). These report(s) do not provide unequivocal conclusions about association of the variant with PRX-related conditions. To our knowledge, no experimental evidence demonstrating an impact on protein function has been reported. The following publications have been ascertained in the context of this evaluation (PMID: 31827005, 25025039, 26392352, 32376792). ClinVar contains an entry for this variant (Variation ID: 245663). Based on the evidence outlined above, the variant was classified as likely benign.

ARUP Laboratories, Molecular Genetics and Genomics, ARUP Laboratories
Classification: Likely benign. Last evaluated: 2025-07-10. Review status: criteria provided, single submitter. Criteria: ARUP Molecular Germline Variant Investigation Process 2024. Collection method: clinical testing. Allele origin: germline.

Athena Diagnostics
Classification: Benign. Last evaluated: 2025-05-19. Review status: criteria provided, single submitter. Criteria: Athena Diagnostics Criteria. Collection method: clinical testing. Allele origin: unknown.
Comment: The frequency of this variant in the general population is higher than would generally be expected for pathogenic variants in this gene. This variant has been seen where an alternate explanation for disease was also identified.

Blueprint Genetics
Classification: Likely benign. Last evaluated: 2024-11-25. Review status: criteria provided, single submitter. Criteria: ACMG Guidelines, 2015. Collection method: clinical testing. Allele origin: germline.

Mayo Clinic Laboratories, Mayo Clinic
Classification: Likely benign. Last evaluated: 2024-10-31. Review status: criteria provided, single submitter. Criteria: ACMG Guidelines, 2015. Collection method: clinical testing. Allele origin: germline. Observed: 23 variant alleles.
Comment: BS1, BP4

Practice for Gait Abnormalities, David Pomarino, Competency Network Toe Walking C/o Practice Pomarino
Classification: Uncertain significance for Tip-toe gait. Last evaluated: 2021-02-03. Review status: criteria provided, single submitter. Criteria: ACMG Guidelines, 2015. Collection method: clinical testing. Allele origin: unknown. Affected: yes.
Comment: We conducted a clinical examination of patients about toe walking. The amino acid Gly-1125 is not located in a functionally important domain of the periaxin, but is highly conserved. In terms of their physico-chemical properties, the amino acids glycine and serine are also very similar. According to the prognosis of the In-Silico prediction program Polyphen2, clinical relevance is possible. In the ClinVar database, the variant was evaluated as "probably benign" in patients with Charcot-Marie-Tooth syndrome in 2 separate entries and in one case as VUS. With a high frequency of 0.21% (GnomAD) in the general population, a pathogenic relevance is not likely. In summary, the c.3373G>A variant meets our criteria to be classified as VUS. Hereditary motor sensory neuropathy (HMSN), also known as Charcot-Marie-Tooth Disease (CMT), is the most commonly inherited peripheral polyneuropathy. It constitutes a group of inherited, progressive, motor and sensory peripheral nerve disorders with properties of demyelination, axonal degeneration, or both. It is classified by clinical characteristics, modes of inheritance, electrophysiologic features, metabolic defects, and specific gene markers. Our patients all walk on tiptoe, so they show similar symptoms. When we genetically test them with our toe walking panel, we find that around 90 per cent of them have a genetic variant that explains their toe walking. These can be assigned, for example, to the area of myopathies (such as variants of the COL6A3 gene), the area of hereditary neuropathies (such as variants of the KMT2C gene) or the area of metabolic diseases (such as variants of the PYGM gene). In a smaller group of patients with almost identical symptoms, no abnormality is found in the genes of our panel, but spastic paraplegia can be detected. In another small group of our toe walkers, no abnormalities can be detected in the genes analysed in our toe walking panel, nor do they suffer from spastic paraplegia, as is also the case with healthy children. In contrast to these, however, they show a tiptoe gait. These patients suffer from infantile cerebral palsy, in which toe walking can also be observed.

GeneDx
Classification: Likely benign. Last evaluated: 2020-07-27. Review status: criteria provided, single submitter. Criteria: GeneDx Variant Classification Process June 2021. Collection method: clinical testing. Allele origin: germline. Affected: yes.
Comment: This variant is associated with the following publications: (PMID: 25025039, 32376792)

Ambry Genetics
Classification: Likely benign for Inborn genetic diseases. Last evaluated: 2019-10-28. Review status: criteria provided, single submitter. Criteria: Ambry Variant Classification Scheme 2023. Collection method: clinical testing. Allele origin: germline.

Illumina Laboratory Services, Illumina
Classification: Uncertain significance for Charcot-Marie-Tooth disease type 4F. Last evaluated: 2017-04-27. Review status: criteria provided, single submitter. Criteria: ICSL Variant Classification Criteria 13 December 2019. Collection method: clinical testing. Allele origin: germline.

Eurofins Ntd Llc (ga)
Classification: Likely benign. Last evaluated: 2015-09-24. Review status: criteria provided, single submitter. Criteria: EGL Classification Definitions 2015. Collection method: clinical testing. Allele origin: germline. Observed: 1 variant allele, 1 heterozygote.

Molecular Genetics Laboratory, London Health Sciences Centre
Classification: Likely benign for Charcot-Marie-Tooth disease. Review status: criteria provided, single submitter. Criteria: ACMG Guidelines, 2015. Collection method: clinical testing. Allele origin: germline. Affected: yes.

Literature cited by the submitters: PubMed 26392352 (cited by Women's Health and Genetics/Laboratory Corporation of America, LabCorp); PubMed 32376792 (cited by 3 submitters); PubMed 25025039 (cited by Women's Health and Genetics/Laboratory Corporation of America, LabCorp); PubMed 31827005 (cited by Women's Health and Genetics/Laboratory Corporation of America, LabCorp); PubMed 37091313 (cited by Practice for Gait Abnormalities, David Pomarino, Competency Network Toe Walking C/o Practice Pomarino).

NM_181882.3(PRX):c.3373G>A (p.Gly1125Ser)

Gene: PRX (periaxin; minus strand). Cytogenetic location: 19q13.2.
Variant type: single nucleotide variant.
Coding change: c.3373G>A on transcript NM_181882.3 (MANE Select); coding-DNA position 3373, G replaced by A.
Protein change: p.Gly1125Ser; replaces glycine 1125 with serine.
Molecular consequence: missense variant. On other transcripts: 3 prime UTR variant (1).
Genome position (GRCh38, 1-based): chr19:40,394,979, C>T on the plus strand (G>A on the coding strand, the complement: PRX is on the minus strand). VCF-style: chr19-40394979-C-T. GRCh37 (hg19) VCF-style: chr19-40900886-C-T.
Other names: c.*3578G>A (NM_020956.2); short protein forms G1125S.
Identifiers: ClinVar variation 245663 (VCV000245663.81), dbSNP rs148939995, ClinGen allele CA9443872.